The following is an entry in ClinVar:

NM_001367479.1(DNAH14):c.9143G>A (p.Arg3048Gln)

Gene: DNAH14 (dynein axonemal heavy chain 14; plus strand). Cytogenetic location: 1q42.12.
Variant type: single nucleotide variant.
Coding change: c.9143G>A on transcript NM_001367479.1 (MANE Select); coding-DNA position 9143, G replaced by A.
Protein change: p.Arg3048Gln; replaces arginine 3048 with glutamine.
Molecular consequence: missense variant.
Genome position (GRCh38, 1-based): chr1:225,308,313, G>A. VCF-style: chr1-225308313-G-A. GRCh37 (hg19) VCF-style: chr1-225496015-G-A.
Other names: NM_001373.1:c.8864G>A; short protein forms R3048Q.
Identifiers: ClinVar variation 3083666 (VCV003083666.2), dbSNP rs183261121, ClinGen allele CA1416498.
Genomic context (GRCh38, chr1:225,308,313, plus strand): 5'-TTCATTCTAAGAACAATTATGTGCTTCATTAGGAAACAGAAACTCTAATGGAAAAACTAC[G>A]GAAAGATTCACAAGTAGTTGAGAAAGTTCAGATGCTTGTTAAACAGGATGAAGAAATTGT-3'
Protein context (NP_001354408.1, residues 3038-3058): KETETLMEKL[Arg3048Gln]KDSQVVEKVQ

ClinVar aggregate classification (germline): Conflicting classifications of pathogenicity. Review status: criteria provided, conflicting classifications (1 of 4 stars). 2 submissions from 2 submitters: Uncertain significance (1); Likely benign (1). Last evaluated 2024-06-21.

Allele frequency attached by ClinVar (database versions not stated): gnomAD exomes 0.00017; gnomAD 0.00019; TOPMed 0.00020; 1000 Genomes Project 30x 0.00047; ExAC 0.00055; 1000 Genomes Project 0.00060.
gnomAD v4.1: 267 of 1,539,372 alleles (0.017%); highest among the groups gnomAD compares: South Asian, 0.095%; 2 homozygotes.

Submissions (2):

GeneDx
Classification: Uncertain significance. Last evaluated: 2024-06-21. Review status: criteria provided, single submitter. Criteria: GeneDx Variant Classification Process June 2021. Collection method: clinical testing. Allele origin: germline. Affected: yes.
Comment: In silico analysis indicates that this missense variant does not alter protein structure/function; In silico analysis is inconclusive as to whether the variant alters gene splicing. In the absence of RNA/functional studies, the actual effect of this sequence change is unknown.; Has not been previously published as pathogenic or benign to our knowledge

Ambry Genetics
Classification: Likely benign. Last evaluated: 2022-02-09. Review status: criteria provided, single submitter. Criteria: Ambry Variant Classification Scheme 2023. Collection method: clinical testing. Allele origin: germline.